The following is an entry in ClinVar:

ClinVar aggregate classification (germline): Pathogenic (1 of 4 stars; one submission).

Submission:

GeneDx
Classification: Pathogenic. Last evaluated: 2017-10-25. Review status: criteria provided, single submitter. Criteria: GeneDx Variant Classification (06012015). Collection method: clinical testing. Allele origin: germline. Affected: yes.
Comment: This deletion of five nucleotides in APC is denoted c.1834_1838delGCACT at the cDNA level and p.Ala612CysfsX20 (A612CfsX20) at the protein level. The normal sequence, with the bases that are deleted in brackets, is TGGT[delGCACT]TGCA. The deletion causes a frameshift which changes an Alanine to a Cysteine at codon 612, and creates a premature stop codon at position 20 of the new reading frame. Although this variant has not, to our knowledge, been reported in the literature, it is predicted to cause loss of normal protein function through either protein truncation or nonsense-mediated mRNA decay. Based on the currently available information, we consider this deletion to be a pathogenic variant.

NM_000038.6(APC):c.1834_1838del (p.Ala612fs)

Gene: APC (APC regulator of WNT signaling pathway; plus strand). Cytogenetic location: 5q22.2.
Variant type: Deletion.
Coding change: c.1834_1838del on transcript NM_000038.6 (MANE Select); coding-DNA positions 1834 to 1838, 5 bases deleted (GCACT; older notation c.1834_1838delGCACT).
Protein change: p.Ala612fs; shifts the reading frame from alanine 612.
Molecular consequence: frameshift variant.
Genome position (GRCh38, 1-based): chr5:112,835,041-112,835,045, GCACT deleted; deleting any 5 consecutive bases within chr5:112,835,040-112,835,045 gives the same sequence; the c. name uses the placement nearest the transcript's 3' end. VCF-style (leftmost placement, unchanged base first): chr5-112835039-GTGCAC-G. GRCh37 (hg19) VCF-style: chr5-112170736-GTGCAC-G.
Other names: c.1834_1838del, p.Ala612fs (NM_001127510.3, NM_001354895.2); c.1780_1784del, p.Ala594fs (NM_001127511.3); c.1888_1892del, p.Ala630fs (NM_001354896.2); c.1864_1868del, p.Ala622fs (NM_001354897.2); c.1759_1763del, p.Ala587fs (NM_001354898.2); c.1750_1754del, p.Ala584fs (NM_001354899.2); c.1711_1715del, p.Ala571fs (NM_001354900.2); c.1657_1661del, p.Ala553fs (NM_001354901.2); and 5 more; short protein forms A452fs, A511fs, A594fs, A329fs, A521fs, A571fs, A486fs, A553fs.
Identifiers: ClinVar variation 545830 (VCV000545830.2), dbSNP rs1554083160, ClinGen allele CA658822395.